The following is an entry in ClinVar:

ClinVar aggregate classification (germline): Likely pathogenic (1 of 4 stars; one submission).

Submission:

Labcorp Genetics (formerly Invitae), Labcorp
Classification: Likely pathogenic. Last evaluated: 2024-02-04. Review status: criteria provided, single submitter. Criteria: Invitae Variant Classification Sherloc (09022015). Collection method: clinical testing. Allele origin: germline.
Comment: This sequence change replaces cysteine, which is neutral and slightly polar, with tyrosine, which is neutral and polar, at codon 1596 of the NSD1 protein (p.Cys1596Tyr). This variant is not present in population databases (gnomAD no frequency). This variant has not been reported in the literature in individuals affected with NSD1-related conditions. Advanced modeling of protein sequence and biophysical properties (such as structural, functional, and spatial information, amino acid conservation, physicochemical variation, residue mobility, and thermodynamic stability) performed at Invitae indicates that this missense variant is expected to disrupt NSD1 protein function with a positive predictive value of 95%. This variant disrupts the p.Cys1596 amino acid residue in NSD1. Other variant(s) that disrupt this residue have been determined to be pathogenic (PMID: 17565729, 36421837). This suggests that this residue is clinically significant, and that variants that disrupt this residue are likely to be disease-causing. In summary, the currently available evidence indicates that the variant is pathogenic, but additional data are needed to prove that conclusively. Therefore, this variant has been classified as Likely Pathogenic.

Literature cited by the submitters: PubMed 17565729; PubMed 36421837.

NM_022455.5(NSD1):c.4787G>A (p.Cys1596Tyr)

Gene: NSD1 (nuclear receptor binding SET domain protein 1; plus strand). Cytogenetic location: 5q35.3.
Variant type: single nucleotide variant.
Coding change: c.4787G>A on transcript NM_022455.5 (MANE Select); coding-DNA position 4787, G replaced by A.
Protein change: p.Cys1596Tyr; replaces cysteine 1596 with tyrosine.
Molecular consequence: missense variant.
Genome position (GRCh38, 1-based): chr5:177,256,972, G>A. VCF-style: chr5-177256972-G-A. GRCh37 (hg19) VCF-style: chr5-176683973-G-A.
Other names: c.3914G>A, p.Cys1305Tyr (NM_001365684.2, NM_001409308.1, NM_001409309.1 and 1 more transcripts); c.4787G>A, p.Cys1596Tyr (NM_001409301.1, NM_001409302.1, NM_001409303.1); c.4367G>A, p.Cys1456Tyr (NM_001409304.1); c.4034G>A, p.Cys1345Tyr (NM_001409305.1); c.4025G>A, p.Cys1342Tyr (NM_001409306.1, NM_001409307.1); short protein forms C1342Y, C1596Y, C1305Y, C1456Y, C1345Y.
Identifiers: ClinVar variation 3638746 (VCV003638746.2).
Genomic context (GRCh38, chr5:177,256,972, plus strand): 5'-CTTGAATTCTTACTAATTTATCTTCTTTTGGCTTCTCAGGAATCCATACCTGTTTTGTAT[G>A]TAAGCAGAGTGGGGAAGATGTTAAAAGGTGCCTTCTACCCTTGTGTGGAAAGTTTTACCA-3'
Protein context (NP_071900.2, residues 1586-1606): CRTGIHTCFV[Cys1596Tyr]KQSGEDVKRC